The following is an entry in ClinVar:

NM_002890.3(RASA1):c.1955A>G (p.Asn652Ser)

Genes: CCNH (cyclin H; minus strand), RASA1 (RAS p21 protein activator 1; plus strand). Cytogenetic location: 5q14.3.
Variant type: single nucleotide variant.
Coding change: c.1955A>G on transcript NM_002890.3 (MANE Select); coding-DNA position 1955, A replaced by G.
Protein change: p.Asn652Ser; replaces asparagine 652 with serine.
Molecular consequence: missense variant. On other transcripts: intron variant (1).
Genome position (GRCh38, 1-based): chr5:87,374,860, A>G. VCF-style: chr5-87374860-A-G. GRCh37 (hg19) VCF-style: chr5-86670677-A-G.
Other names: c.1424A>G, p.Asn475Ser (NM_022650.3); c.933+20184T>C (NM_001364075.2); short protein forms N475S, N652S.
Identifiers: ClinVar variation 1941404 (VCV001941404.5), dbSNP rs775854094, ClinGen allele CA3335891.

ClinVar aggregate classification (germline): Conflicting classifications of pathogenicity. Review status: criteria provided, conflicting classifications (1 of 4 stars). 2 submissions from 2 submitters: Uncertain significance (1); Likely benign (1). Last evaluated 2025-08-01.

Conditions:
Capillary malformation-arteriovenous malformation syndrome. Also called: Capillary malformation-arteriovenous malformation. Identifiers: Orphanet 137667, MedGen C1842180, MONDO:0012016.
Cardiovascular phenotype. Identifiers: MedGen CN230736.

Allele frequency attached by ClinVar (database versions not stated): ExAC 0.00001.
gnomAD v4.1: 6 of 1,609,846 alleles (0.00037%); highest among the groups gnomAD compares: Middle Eastern, 0.017%; no homozygotes.

Submissions (2):

Labcorp Genetics (formerly Invitae), Labcorp
Classification: Uncertain significance for Capillary malformation-arteriovenous malformation syndrome. Last evaluated: 2025-08-01. Review status: criteria provided, single submitter. Criteria: Invitae Variant Classification Sherloc (09022015). Collection method: clinical testing. Allele origin: germline.
Comment: This sequence change replaces asparagine, which is neutral and polar, with serine, which is neutral and polar, at codon 652 of the RASA1 protein (p.Asn652Ser). This variant is present in population databases (rs775854094, gnomAD 0.006%). This variant has not been reported in the literature in individuals affected with RASA1-related conditions. ClinVar contains an entry for this variant (Variation ID: 1941404). An algorithm developed to predict the effect of missense changes on protein structure and function (PolyPhen-2) suggests that this variant is likely to be tolerated. In summary, the available evidence is currently insufficient to determine the role of this variant in disease. Therefore, it has been classified as a Variant of Uncertain Significance.

Ambry Genetics
Classification: Likely benign for Cardiovascular phenotype. Last evaluated: 2024-06-30. Review status: criteria provided, single submitter. Criteria: Ambry Variant Classification Scheme 2023. Collection method: clinical testing. Allele origin: germline.